The following is an entry in ClinVar:

ClinVar aggregate classification (germline): Uncertain significance (1 of 4 stars; one submission).

Conditions:
Inborn genetic diseases. Identifiers: MedGen C0950123, MeSH D030342.

Submission:

Ambry Genetics
Classification: Uncertain significance for Inborn genetic diseases. Last evaluated: 2026-02-25. Review status: criteria provided, single submitter. Criteria: Ambry Variant Classification Scheme 2023. Collection method: clinical testing. Allele origin: germline.
Comment: The p.A282T variant (also known as c.844G>A), located in coding exon 5 of the RECQL4 gene, results from a G to A substitution at nucleotide position 844. The alanine at codon 282 is replaced by threonine, an amino acid with similar properties. This amino acid position is conserved. In addition, this alteration is predicted to be tolerated by in silico analysis. Based on the available evidence, the clinical significance of this variant remains unclear.

NM_004260.4(RECQL4):c.844G>A (p.Ala282Thr)

Gene: RECQL4 (RecQ like helicase 4; minus strand). Cytogenetic location: 8q24.3.
Variant type: single nucleotide variant.
Coding change: c.844G>A on transcript NM_004260.4 (MANE Select); coding-DNA position 844, G replaced by A.
Protein change: p.Ala282Thr; replaces alanine 282 with threonine.
Molecular consequence: missense variant. On other transcripts: 5 prime UTR variant (17), non-coding transcript variant (3).
Genome position (GRCh38, 1-based): chr8:144,516,275, C>T on the plus strand (G>A on the coding strand, the complement: RECQL4 is on the minus strand). VCF-style: chr8-144516275-C-T. GRCh37 (hg19) VCF-style: chr8-145741659-C-T.
Other names: c.-132G>A (NM_001413034.1); c.-228G>A (NM_001413035.1, NM_001413037.1, NM_001413038.1 and 7 more transcripts); c.844G>A, p.Ala282Thr (NM_001413036.1, NM_001413039.1, NM_001413017.1 and 4 more transcripts); c.-290G>A (NM_001413041.1, NM_001413027.1, NM_001413030.1 and 2 more transcripts); c.-497G>A (NM_001413043.1); c.715G>A, p.Ala239Thr (NM_001413025.1); c.493G>A, p.Ala165Thr (NM_001413029.1); short protein forms A165T, A239T, A282T.
Identifiers: ClinVar variation 4825861 (VCV004825861.1).